The following is an entry in ClinVar:

ClinVar aggregate classification (germline): Uncertain significance. Review status: criteria provided, multiple submitters, no conflicts (2 of 4 stars). 3 submissions from 3 submitters: Uncertain significance (3). Last evaluated 2025-12-12.

Conditions:
Inborn genetic diseases. Identifiers: MedGen C0950123, MeSH D030342.
Autosomal recessive nonsyndromic hearing loss 1A (DFNB1A). Also called: Connexin 26 deafness; Deafness nonsyndromic, Connexin 26 linked; GJB6-Related DFNB 1 Nonsyndromic Hearing Loss and Deafness; Deafness, autosomal recessive 1A; Nonsyndromic Hearing Loss and Deafness, DFNB1; GJB2-Related Autosomal Recessive Nonsyndromic Hearing Loss. Identifiers: Orphanet 90636, MedGen C2673759, MONDO:0009076, OMIM 220290.
Autosomal recessive nonsyndromic hearing loss 1B. Also called: DEAFNESS, AUTOSOMAL RECESSIVE 1B. Identifiers: Orphanet 90636, MedGen C2675235, MONDO:0012977, OMIM 612645.
Autosomal dominant nonsyndromic hearing loss 3B. Identifiers: Orphanet 90635, MedGen C2675237, MONDO:0012975, OMIM 612643.
Hidrotic ectodermal dysplasia syndrome (GJB6). Also called: Hidrotic ectodermal dysplasia; CLOUSTON HIDROTIC ECTODERMAL DYSPLASIA; Ectodermal dysplasia 2, hidrotic; Autosomal dominant hidrotic ectodermal dysplasia; Clouston syndrome; Clouston's hidrotic ectodermal dysplasia. Identifiers: Orphanet 189, MedGen C0162361, MONDO:0007510, OMIM 129500.

Allele frequency attached by ClinVar (database versions not stated): ExAC 0.00003; TOPMed 0.00001.

Submissions (3):

Labcorp Genetics (formerly Invitae), Labcorp
Classification: Uncertain significance for Autosomal dominant nonsyndromic hearing loss 3B; Hidrotic ectodermal dysplasia syndrome; Autosomal recessive nonsyndromic hearing loss 1B; Autosomal recessive nonsyndromic hearing loss 1A. Last evaluated: 2025-12-12. Review status: criteria provided, single submitter. Criteria: Invitae Variant Classification Sherloc (09022015). Collection method: clinical testing. Allele origin: germline.
Comment: This sequence change replaces leucine, which is neutral and non-polar, with valine, which is neutral and non-polar, at codon 177 of the GJB6 protein (p.Leu177Val). This variant is present in population databases (rs745637886, gnomAD 0.02%). This variant has not been reported in the literature in individuals affected with GJB6-related conditions. ClinVar contains an entry for this variant (Variation ID: 2505796). Invitae Evidence Modeling of protein sequence and biophysical properties (such as structural, functional, and spatial information, amino acid conservation, physicochemical variation, residue mobility, and thermodynamic stability) indicates that this missense variant is not expected to disrupt GJB6 protein function with a negative predictive value of 80%. In summary, the available evidence is currently insufficient to determine the role of this variant in disease. Therefore, it has been classified as a Variant of Uncertain Significance.

Ambry Genetics
Classification: Uncertain significance for Inborn genetic diseases. Last evaluated: 2025-08-31. Review status: criteria provided, single submitter. Criteria: Ambry Variant Classification Scheme 2023. Collection method: clinical testing. Allele origin: germline.

GeneDx
Classification: Uncertain significance. Last evaluated: 2022-12-13. Review status: criteria provided, single submitter. Criteria: GeneDx Variant Classification Process June 2021. Collection method: clinical testing. Allele origin: germline. Affected: yes.
Comment: In silico analysis supports that this missense variant does not alter protein structure/function; Has not been previously published as pathogenic or benign to our knowledge

NM_001110219.3(GJB6):c.529C>G (p.Leu177Val)

Gene: GJB6 (gap junction protein beta 6; minus strand). Cytogenetic location: 13q12.11.
Variant type: single nucleotide variant.
Coding change: c.529C>G on transcript NM_001110219.3 (MANE Select); coding-DNA position 529, C replaced by G.
Protein change: p.Leu177Val; replaces leucine 177 with valine.
Molecular consequence: missense variant.
Genome position (GRCh38, 1-based): chr13:20,222,952, G>C on the plus strand (C>G on the coding strand, the complement: GJB6 is on the minus strand). VCF-style: chr13-20222952-G-C. GRCh37 (hg19) VCF-style: chr13-20797091-G-C.
Other names: c.529C>G, p.Leu177Val (NM_001110220.3, NM_001110221.3, NM_001370090.1 and 3 more transcripts); short protein forms L177V.
Identifiers: ClinVar variation 2505796 (VCV002505796.3), dbSNP rs745637886, ClinGen allele CA6904422.